The following is an entry in ClinVar:

NM_016292.3(TRAP1):c.190G>A (p.Ala64Thr)

Gene: TRAP1 (TNF receptor associated protein 1; minus strand). Cytogenetic location: 16p13.3.
Variant type: single nucleotide variant.
Coding change: c.190G>A on transcript NM_016292.3 (MANE Select); coding-DNA position 190, G replaced by A.
Protein change: p.Ala64Thr; replaces alanine 64 with threonine.
Molecular consequence: missense variant. On other transcripts: intron variant (1).
Genome position (GRCh38, 1-based): chr16:3,690,884, C>T on the plus strand (G>A on the coding strand, the complement: TRAP1 is on the minus strand). VCF-style: chr16-3690884-C-T. GRCh37 (hg19) VCF-style: chr16-3740885-C-T.
Other names: c.89-1747G>A (NM_001272049.2); short protein forms A64T.
Identifiers: ClinVar variation 3328505 (VCV003328505.3).

ClinVar aggregate classification (germline): Uncertain significance. Review status: criteria provided, multiple submitters, no conflicts (2 of 4 stars). 2 submissions from 2 submitters: Uncertain significance (2). Last evaluated 2024-10-16.

gnomAD v4.1: 47 of 1,586,416 alleles (0.003%); highest among the groups gnomAD compares: African/African-American, 0.0082%; no homozygotes.

Submissions (2):

Labcorp Genetics (formerly Invitae), Labcorp
Classification: Uncertain significance. Last evaluated: 2024-10-16. Review status: criteria provided, single submitter. Criteria: Invitae Variant Classification Sherloc (09022015). Collection method: clinical testing. Allele origin: germline.
Comment: This sequence change replaces alanine, which is neutral and non-polar, with threonine, which is neutral and polar, at codon 64 of the TRAP1 protein (p.Ala64Thr). This variant is present in population databases (rs368129763, gnomAD 0.02%). This variant has not been reported in the literature in individuals affected with TRAP1-related conditions. An algorithm developed to predict the effect of missense changes on protein structure and function (PolyPhen-2) suggests that this variant is likely to be tolerated. In summary, the available evidence is currently insufficient to determine the role of this variant in disease. Therefore, it has been classified as a Variant of Uncertain Significance.

Ambry Genetics
Classification: Uncertain significance. Last evaluated: 2024-05-20. Review status: criteria provided, single submitter. Criteria: Ambry Variant Classification Scheme 2023. Collection method: clinical testing. Allele origin: germline.